The following is an entry in ClinVar:

Conditions:
Arteriohepatic dysplasia. Also called: Alagille Syndrome. Identifiers: Orphanet 52, MedGen C0085280, MeSH D016738, MONDO:0007318.

Submission:

Gilbert/Spinner Lab, Children's Hospital of Philadelphia
No classification provided (evidence only). Condition: Alagille syndrome. Review status: no classification provided. Collection method: research. Allele origin: not applicable. Functional consequence: functionally_abnormal.
ClinVar note: "not provided" was previously submitted as the classification for the variant. However, the classification appeared to be based only on an observation of functional data so it was converted to no classification on 2025-07-30.

NM_000214.3(JAG1):c.857C>A (p.Thr286Asn)

Gene: JAG1 (jagged canonical Notch ligand 1; minus strand). Cytogenetic location: 20p12.2.
Variant type: single nucleotide variant.
Coding change: c.857C>A on transcript NM_000214.3 (MANE Select); coding-DNA position 857, C replaced by A.
Protein change: p.Thr286Asn; replaces threonine 286 with asparagine.
Molecular consequence: missense variant.
Genome position (GRCh38, 1-based): chr20:10,652,497, G>T on the plus strand (C>A on the coding strand, the complement: JAG1 is on the minus strand). VCF-style: chr20-10652497-G-T. GRCh37 (hg19) VCF-style: chr20-10633145-G-T.
Other names: short protein forms T286N.
Identifiers: ClinVar variation 3573148 (VCV003573148.2).